The following is an entry in ClinVar:

NM_005802.5(TOPORS):c.3055C>G (p.Gln1019Glu)

Gene: TOPORS (TOP1 binding arginine/serine rich protein, E3 ubiquitin ligase; minus strand). Cytogenetic location: 9p21.1.
Variant type: single nucleotide variant.
Coding change: c.3055C>G on transcript NM_005802.5 (MANE Select); coding-DNA position 3055, C replaced by G.
Protein change: p.Gln1019Glu; replaces glutamine 1019 with glutamic acid.
Molecular consequence: missense variant.
Genome position (GRCh38, 1-based): chr9:32,541,470, G>C on the plus strand (C>G on the coding strand, the complement: TOPORS is on the minus strand). VCF-style: chr9-32541470-G-C. GRCh37 (hg19) VCF-style: chr9-32541468-G-C.
Other names: c.2860C>G, p.Gln954Glu (NM_001195622.2); short protein forms Q1019E, Q954E.
Identifiers: ClinVar variation 851375 (VCV000851375.10), dbSNP rs200918654, ClinGen allele CA5020273.
Genomic context (GRCh38, chr9:32,541,470, plus strand): 5'-CAAGACATACTGACATTAATGATGTCCGTGGCGATGGCAATTGCCTTGATGGCTCAGTTT[G>C]AAGAGACACAATGTTACTGGGCTGGTTCTCCAAATCAGAAACAAAGGTGCTCTCTTCTCT-3'
Protein context (NP_005793.2, residues 1009-1029): ENQPSNIVSL[Gln1019Glu]TEPSRQLPSP

ClinVar aggregate classification (germline): Conflicting classifications of pathogenicity. Review status: criteria provided, conflicting classifications (1 of 4 stars). 3 submissions from 3 submitters: Uncertain significance (2); Likely benign (1). Last evaluated 2025-10-26.

Conditions:
Inborn genetic diseases. Identifiers: MedGen C0950123, MeSH D030342.

Allele frequency attached by ClinVar (database versions not stated): ExAC 0.00013; 1000 Genomes Project 30x 0.00016; gnomAD 0.00018 and 0.00019; gnomAD exomes 0.00018; 1000 Genomes Project 0.00020; TOPMed 0.00026; ESP Exome Variant Server 0.00031.
gnomAD v4.1: 510 of 1,614,206 alleles (0.032%); highest among the groups gnomAD compares: Non-Finnish European, 0.04%; no homozygotes.

Submissions (3):

Labcorp Genetics (formerly Invitae), Labcorp
Classification: Uncertain significance. Last evaluated: 2025-10-26. Review status: criteria provided, single submitter. Criteria: Invitae Variant Classification Sherloc (09022015). Collection method: clinical testing. Allele origin: germline.
Comment: This sequence change replaces glutamine, which is neutral and polar, with glutamic acid, which is acidic and polar, at codon 1019 of the TOPORS protein (p.Gln1019Glu). This variant is present in population databases (rs200918654, gnomAD 0.03%), and has an allele count higher than expected for a pathogenic variant. This variant has not been reported in the literature in individuals affected with TOPORS-related conditions. ClinVar contains an entry for this variant (Variation ID: 851375). Experimental studies and prediction algorithms are not available or were not evaluated, and the functional significance of this variant is currently unknown. In summary, the available evidence is currently insufficient to determine the role of this variant in disease. Therefore, it has been classified as a Variant of Uncertain Significance.

Blueprint Genetics
Classification: Likely benign. Last evaluated: 2024-11-26. Review status: criteria provided, single submitter. Criteria: ACMG Guidelines, 2015. Collection method: clinical testing. Allele origin: germline.

Ambry Genetics
Classification: Uncertain significance for Inborn genetic diseases. Last evaluated: 2022-12-05. Review status: criteria provided, single submitter. Criteria: Ambry Variant Classification Scheme 2023. Collection method: clinical testing. Allele origin: germline.